The following is an entry in ClinVar:

ClinVar aggregate classification (germline): Benign/Likely benign. Review status: criteria provided, multiple submitters, no conflicts (2 of 4 stars). 2 submissions from 2 submitters: Benign (1); Likely benign (1). Last evaluated 2025-05-01.

Allele frequency attached by ClinVar (database versions not stated): TOPMed 0.00037; gnomAD 0.00054 and 0.00062; 1000 Genomes Project 30x 0.00078; 1000 Genomes Project 0.00080; gnomAD exomes 0.00082.
gnomAD v4.1: 288 of 398,666 alleles (0.072%); highest among the groups gnomAD compares: South Asian, 0.24%; no homozygotes.

Submissions (2):

CeGaT Center for Human Genetics Tuebingen
Classification: Benign. Last evaluated: 2025-05-01. Review status: criteria provided, single submitter. Criteria: CeGaT Center For Human Genetics Tuebingen Variant Classification Criteria Version 2. Collection method: clinical testing. Allele origin: germline. Affected: yes. Observed: 9 variant alleles.
Comment: KCNQ1OT1: BS1, BS2

Blueprint Genetics
Classification: Likely benign. Last evaluated: 2024-11-22. Review status: criteria provided, single submitter. Criteria: ACMG Guidelines, 2015. Collection method: clinical testing. Allele origin: germline.

NM_000218.3(KCNQ1):c.1514+27604G>C

Genes: KCNQ1 (potassium voltage-gated channel subfamily Q member 1; plus strand), KCNQ1OT1 (KCNQ1 opposite strand/antisense transcript 1; minus strand). Cytogenetic location: 11p15.5.
Variant type: single nucleotide variant.
Coding change: c.1514+27604G>C on transcript NM_000218.3 (MANE Select); 27604 bases into the intron after coding-DNA position 1514, G replaced by C.
Molecular consequence: intron variant.
Genome position (GRCh38, 1-based): chr11:2,689,685, G>C. VCF-style: chr11-2689685-G-C. GRCh37 (hg19) VCF-style: chr11-2710915-G-C.
Other names: c.1244+27604G>C (NM_001406837.1); c.1418+27604G>C (NM_001406836.1); c.974+27604G>C (NM_001406838.1); c.1133+27604G>C (NM_181798.2).
Identifiers: ClinVar variation 1701166 (VCV001701166.32), dbSNP rs538690738, ClinGen allele CA216191502.
Genomic context (GRCh38, chr11:2,689,685, plus strand): 5'-AAACAAGCCAGCAGGTGCAGAGGTCACAAGCCTCCTGAGAGGGCCAGGGCAGAGTGAGTA[G>C]CTGCAGGGGCAGCTGTCCTTTGCACCTGGGCCTAGAGTGCCAGAGACTTAGTCTCATTTG-3'